The following is an entry in ClinVar:

ClinVar aggregate classification (germline): Pathogenic/Likely pathogenic. Review status: criteria provided, multiple submitters, no conflicts (2 of 4 stars). 4 submissions from 4 submitters: Pathogenic (1); Likely pathogenic (3). Last evaluated 2024-05-22.

Conditions:
Xeroderma pigmentosum, group D (XPD). Also called: ERCC2-Related Xeroderma Pigmentosum; XP, GROUP D; XP, GROUP H; XERODERMA PIGMENTOSUM IV; XERODERMA PIGMENTOSUM, COMPLEMENTATION GROUP D. Identifiers: MedGen C0268138, MONDO:0010212, OMIM 278730.
Trichothiodystrophy 1, photosensitive (TTD1). Also called: TAY SYNDROME; TRICHOTHIODYSTROPHY WITH CONGENITAL ICHTHYOSIS; PIBIDS SYNDROME. Identifiers: Orphanet 33364, MedGen C1866504, MONDO:0011125, OMIM 601675.
Cerebrooculofacioskeletal syndrome 2 (COFS2). Identifiers: MedGen C1853102, MONDO:0012553, OMIM 610756.

Allele frequency attached by ClinVar (database versions not stated): gnomAD exomes below 0.00001; gnomAD 0.00002; TOPMed 0.00002.
gnomAD v4.1: 6 of 1,612,672 alleles (0.00037%); highest among the groups gnomAD compares: African/African-American, 0.0013%; no homozygotes.

Submissions (4):

Labcorp Genetics (formerly Invitae), Labcorp
Classification: Pathogenic. Last evaluated: 2024-05-22. Review status: criteria provided, single submitter. Criteria: Invitae Variant Classification Sherloc (09022015). Collection method: clinical testing. Allele origin: germline.
Comment: This sequence change affects an acceptor splice site in intron 17 of the ERCC2 gene. It is expected to disrupt RNA splicing. Variants that disrupt the donor or acceptor splice site typically lead to a loss of protein function (PMID: 16199547), and loss-of-function variants in ERCC2 are known to be pathogenic (PMID: 9238033, 11335038, 19085937, 19934020). This variant is present in population databases (rs199658345, gnomAD 0.002%). Disruption of this splice site has been observed in individual(s) with clinical features of trichothiodystrophy (Invitae). In at least one individual the data is consistent with being in trans (on the opposite chromosome) from a pathogenic variant. ClinVar contains an entry for this variant (Variation ID: 420816). Algorithms developed to predict the effect of sequence changes on RNA splicing suggest that this variant may disrupt the consensus splice site. For these reasons, this variant has been classified as Pathogenic.

Fulgent Genetics
Classification: Likely pathogenic for Xeroderma pigmentosum, group D; Trichothiodystrophy 1, photosensitive; Cerebrooculofacioskeletal syndrome 2. Last evaluated: 2024-02-09. Review status: criteria provided, single submitter. Criteria: ACMG Guidelines, 2015. Collection method: clinical testing. Allele origin: germline.

Baylor Genetics
Classification: Likely pathogenic for Cerebrooculofacioskeletal syndrome 2. Last evaluated: 2023-08-19. Review status: criteria provided, single submitter. Criteria: ACMG Guidelines, 2015. Collection method: clinical testing. Allele origin: unknown.

GeneDx
Classification: Likely pathogenic. Last evaluated: 2016-03-28. Review status: criteria provided, single submitter. Criteria: GeneDx Variant Classification (06012015). Collection method: clinical testing. Allele origin: germline. Affected: yes.
Comment: The c.1666-2A>T variant in the ERCC2 gene has not been reported previously as a pathogenic variant nor as a benign variant, to our knowledge. This splice site variant destroys the canonical splice acceptor site in intron 17. It is predicted to cause abnormal gene splicing, either leading to an abnormal message that is subject to nonsense-mediated mRNA decay, or to an abnormal protein product if the message is used for protein translation. The c.1666-2A>T variant was not observed in approximately 6500 individuals of European and African American ancestry in the NHLBI Exome Sequencing Project, indicating it is not a common benign variant in these populations. We interpret c.1666-2A>T as a likely pathogenic variant.

Literature cited by the submitters: PubMed 16199547 (cited by Labcorp Genetics (formerly Invitae), Labcorp); PubMed 9238033 (cited by Labcorp Genetics (formerly Invitae), Labcorp); PubMed 11335038 (cited by Labcorp Genetics (formerly Invitae), Labcorp); PubMed 19085937 (cited by Labcorp Genetics (formerly Invitae), Labcorp); PubMed 19934020 (cited by Labcorp Genetics (formerly Invitae), Labcorp).

NM_000400.4(ERCC2):c.1666-2A>T

Gene: ERCC2 (ERCC excision repair 2, TFIIH core complex helicase subunit; minus strand). Cytogenetic location: 19q13.32.
Variant type: single nucleotide variant.
Coding change: c.1666-2A>T on transcript NM_000400.4 (MANE Select); the canonical splice acceptor site of the intron before coding-DNA position 1666, A replaced by T.
Molecular consequence: splice acceptor variant.
Genome position (GRCh38, 1-based): chr19:45,353,336, T>A on the plus strand (A>T on the coding strand, the complement: ERCC2 is on the minus strand). VCF-style: chr19-45353336-T-A. GRCh37 (hg19) VCF-style: chr19-45856594-T-A.
Identifiers: ClinVar variation 420816 (VCV000420816.9), dbSNP rs199658345, ClinGen allele CA16620862.